The following is an entry in ClinVar:

ClinVar aggregate classification (germline): Uncertain significance. Review status: criteria provided, multiple submitters, no conflicts (2 of 4 stars). 3 submissions from 3 submitters: Uncertain significance (3). Last evaluated 2025-11-10.

Conditions:
Hereditary cancer-predisposing syndrome. Also called: Hereditary Cancer Syndrome; Tumor predisposition; Neoplastic Syndromes, Hereditary; Hereditary neoplastic syndrome. Identifiers: Orphanet 140162, MedGen C0027672, MeSH D009386, MONDO:0015356.
Gastrointestinal stromal tumor. Also called: Gastrointestinal stromal tumor, somatic; Gastrointestinal stroma tumor. Identifiers: Orphanet 44890, MedGen C0238198, MeSH D046152, MONDO:0011719, OMIM 606764, HP:0100723.
Pheochromocytoma/paraganglioma syndrome 3. Also called: SDHC-Related Hereditary Paraganglioma-Pheochromocytoma Syndrome (Paragangliomas 3); SDHC-Related Hereditary Paraganglioma-Pheochromocytoma Syndrome; Paragangliomas 3; GLOMUS TUMORS, FAMILIAL, 3. Identifiers: Orphanet 29072, MedGen C1854336, MONDO:0011544, OMIM 605373.

Allele frequency attached by ClinVar (database versions not stated): gnomAD exomes below 0.00001; TOPMed below 0.00001.
gnomAD v4.1: 2 of 1,613,858 alleles (0.00012%); highest among the groups gnomAD compares: Non-Finnish European, 0.000085%; no homozygotes.

Submissions (3):

Labcorp Genetics (formerly Invitae), Labcorp
Classification: Uncertain significance for Pheochromocytoma/paraganglioma syndrome 3; Gastrointestinal stromal tumor. Last evaluated: 2025-11-10. Review status: criteria provided, single submitter. Criteria: Invitae Variant Classification Sherloc (09022015). Collection method: clinical testing. Allele origin: germline.
Comment: This sequence change replaces isoleucine, which is neutral and non-polar, with valine, which is neutral and non-polar, at codon 46 of the SDHC protein (p.Ile46Val). This variant is not present in population databases (gnomAD no frequency). This variant has not been reported in the literature in individuals affected with SDHC-related conditions. ClinVar contains an entry for this variant (Variation ID: 580721). An algorithm developed to predict the effect of missense changes on protein structure and function (PolyPhen-2) suggests that this variant is likely to be tolerated. RNA analysis performed to evaluate the impact of this missense change on mRNA splicing indicates it does not significantly alter splicing (internal data). In summary, the available evidence is currently insufficient to determine the role of this variant in disease. Therefore, it has been classified as a Variant of Uncertain Significance.

GeneDx
Classification: Uncertain significance. Last evaluated: 2024-02-28. Review status: criteria provided, single submitter. Criteria: GeneDx Variant Classification Process June 2021. Collection method: clinical testing. Allele origin: germline. Affected: yes.
Comment: Has not been previously published as pathogenic or benign to our knowledge; In silico analysis supports that this missense variant does not alter protein structure/function; In silico analysis suggests this variant may impact gene splicing. In the absence of RNA/functional studies, the actual effect of this sequence change is unknown.; Not observed at significant frequency in large population cohorts (gnomAD)

Ambry Genetics
Classification: Uncertain significance for Hereditary cancer-predisposing syndrome. Last evaluated: 2023-10-02. Review status: criteria provided, single submitter. Criteria: Ambry Variant Classification Scheme 2023. Collection method: clinical testing. Allele origin: germline.
Comment: The p.I46V variant (also known as c.136A>G), located in coding exon 3 of the SDHC gene, results from an A to G substitution at nucleotide position 136. The isoleucine at codon 46 is replaced by valine, an amino acid with highly similar properties. This amino acid position is poorly conserved in available vertebrate species. In addition, this alteration is predicted to be tolerated by in silico analysis. Since supporting evidence is limited at this time, the clinical significance of this alteration remains unclear.

NM_003001.5(SDHC):c.136A>G (p.Ile46Val)

Gene: SDHC (succinate dehydrogenase complex subunit C; plus strand). Cytogenetic location: 1q23.3.
Variant type: single nucleotide variant.
Coding change: c.136A>G on transcript NM_003001.5 (MANE Select); coding-DNA position 136, A replaced by G.
Protein change: p.Ile46Val; replaces isoleucine 46 with valine.
Molecular consequence: missense variant. On other transcripts: non-coding transcript variant (1), intron variant (4).
Genome position (GRCh38, 1-based): chr1:161,328,454, A>G. VCF-style: chr1-161328454-A-G. GRCh37 (hg19) VCF-style: chr1-161298244-A-G.
Other names: c.136A>G, p.Ile46Val (NM_001035511.3, NM_001407115.1); c.79A>G, p.Ile27Val (NM_001407116.1, NM_001407117.1, NM_001407121.1); c.25A>G, p.Ile9Val (NM_001407119.1, NM_001407120.1); c.77+4784A>G (NM_001035512.3, NM_001278172.3, NM_001407118.1); c.21-12140A>G (NM_001035513.3); short protein forms I46V, I27V, I9V.
Identifiers: ClinVar variation 580721 (VCV000580721.15), dbSNP rs1558167321, ClinGen allele CA343361165.